The following is an entry in ClinVar:

NM_000264.5(PTCH1):c.4024C>T (p.Arg1342Cys)

Gene: PTCH1 (patched 1; minus strand). Cytogenetic location: 9q22.32.
Variant type: single nucleotide variant.
Coding change: c.4024C>T on transcript NM_000264.5 (MANE Select); coding-DNA position 4024, C replaced by T.
Protein change: p.Arg1342Cys; replaces arginine 1342 with cysteine.
Molecular consequence: missense variant. On other transcripts: non-coding transcript variant (1).
Genome position (GRCh38, 1-based): chr9:95,447,232, G>A on the plus strand (C>T on the coding strand, the complement: PTCH1 is on the minus strand). VCF-style: chr9-95447232-G-A. GRCh37 (hg19) VCF-style: chr9-98209514-G-A.
Other names: c.3826C>T, p.Arg1276Cys (NM_001083602.3); c.4021C>T, p.Arg1341Cys (NM_001083603.3); c.3571C>T, p.Arg1191Cys (NM_001083604.3, NM_001083605.3, NM_001083606.3 and 1 more transcripts); c.3868C>T, p.Arg1290Cys (NM_001354918.2); short protein forms R1342C, R1276C, R1191C, R1290C, R1341C.
Identifiers: ClinVar variation 409167 (VCV000409167.28), dbSNP rs781539921, ClinGen allele CA5137979.

ClinVar aggregate classification (germline): Conflicting classifications of pathogenicity. Review status: criteria provided, conflicting classifications (1 of 4 stars). 8 submissions from 7 submitters: Uncertain significance (1); Likely benign (7). Last evaluated 2026-03-17.

Conditions:
Hereditary cancer-predisposing syndrome. Also called: Tumor predisposition; Hereditary neoplastic syndrome; Hereditary Cancer Syndrome; Neoplastic Syndromes, Hereditary. Identifiers: Orphanet 140162, MedGen C0027672, MeSH D009386, MONDO:0015356.
Basal cell carcinoma, susceptibility to, 1. Also called: BCC1. Identifiers: MedGen C2751544, MONDO:0011556, OMIM 605462.
Gorlin syndrome. Also called: Nevoid Basal Cell Carcinoma Syndrome; Basal cell nevus syndrome. Identifiers: Orphanet 377, MedGen C0004779, MONDO:0007187.
Holoprosencephaly 7 (HPE7). Identifiers: Orphanet 2162, MedGen C1835820, MONDO:0012562, OMIM 610828.
PTCH1-related disorder. Also called: PTCH1-related disorders; PTCH1-related condition.

Allele frequency attached by ClinVar (database versions not stated): ExAC 0.00003; gnomAD 0.00004 and 0.00005; TOPMed 0.00006; gnomAD exomes 0.00008 and 0.00009.
gnomAD v4.1: 143 of 1,611,458 alleles (0.0089%); highest among the groups gnomAD compares: Middle Eastern, 0.049%; 1 homozygote.

Submissions (8):

PreventionGenetics, part of Exact Sciences
Classification: Likely benign for PTCH1-related condition. Last evaluated: 2026-03-17. Review status: criteria provided, single submitter. Criteria: ACMG Guidelines, 2015. Collection method: clinical testing. Allele origin: germline.
Comment: This variant is classified as likely benign based on ACMG/AMP sequence variant interpretation guidelines (Richards et al. 2015 PMID: 25741868, with internal and published modifications).

Labcorp Genetics (formerly Invitae), Labcorp
Classification: Likely benign for Gorlin syndrome. Last evaluated: 2026-01-28. Review status: criteria provided, single submitter. Criteria: Invitae Variant Classification Sherloc (09022015). Collection method: clinical testing. Allele origin: germline.

CeGaT Center for Human Genetics Tuebingen
Classification: Likely benign. Last evaluated: 2025-12-01. Review status: criteria provided, single submitter. Criteria: CeGaT Center For Human Genetics Tuebingen Variant Classification Criteria Version 2. Collection method: clinical testing. Allele origin: germline. Affected: yes. Observed: 1 variant allele.
Comment: PTCH1: BS1

Blueprint Genetics
Classification: Likely benign. Last evaluated: 2024-02-20. Review status: criteria provided, single submitter. Criteria: ACMG Guidelines, 2015. Collection method: clinical testing. Allele origin: germline.

Ambry Genetics
Classification: Likely benign for Hereditary cancer-predisposing syndrome. Last evaluated: 2022-06-17. Review status: criteria provided, single submitter. Criteria: Ambry Variant Classification Scheme 2023. Collection method: clinical testing. Allele origin: germline.

Fulgent Genetics
Classification: Uncertain significance for Basal cell nevus syndrome 1; Basal cell carcinoma, susceptibility to, 1; Holoprosencephaly 7. Last evaluated: 2018-10-31. Review status: criteria provided, single submitter. Criteria: ACMG Guidelines, 2015. Collection method: clinical testing. Allele origin: unknown.

Illumina Laboratory Services, Illumina
Classification: Likely benign for Basal cell nevus syndrome 1. Last evaluated: 2018-01-12. Review status: criteria provided, single submitter. Criteria: ICSL Variant Classification Criteria 13 December 2019. Collection method: clinical testing. Allele origin: germline.
Comment: This variant was observed in the ICSL laboratory as part of a predisposition screen in an ostensibly healthy population. It had not been previously curated by ICSL or reported in the Human Gene Mutation Database (HGMD: prior to June 1st, 2018), and was therefore a candidate for classification through an automated scoring system. Utilizing variant allele frequency, disease prevalence and penetrance estimates, and inheritance mode, an automated score was calculated to assess if this variant is too frequent to cause the disease. Based on the score and internal cut-off values, a variant classified as likely benign is not then subjected to further curation. The score for this variant resulted in a classification of likely benign for this disease.

Illumina Laboratory Services, Illumina
Classification: Likely benign for Holoprosencephaly 7. Last evaluated: 2018-01-12. Review status: criteria provided, single submitter. Criteria: ICSL Variant Classification Criteria 13 December 2019. Collection method: clinical testing. Allele origin: germline.
Comment: the same text as in the submission from Illumina Laboratory Services, Illumina above.